The following is an entry in ClinVar:

ClinVar aggregate classification (germline): Uncertain significance (1 of 4 stars; one submission).

Conditions:
Primary ciliary dyskinesia. Also called: Ciliary dyskinesia. Identifiers: Orphanet 244, MedGen C0008780, MONDO:0016575, HP:0012265.

Submission:

Labcorp Genetics (formerly Invitae), Labcorp
Classification: Uncertain significance for Primary ciliary dyskinesia. Last evaluated: 2022-01-03. Review status: criteria provided, single submitter. Criteria: Invitae Variant Classification Sherloc (09022015). Collection method: clinical testing. Allele origin: germline.
Comment: This sequence change replaces aspartic acid, which is acidic and polar, with glycine, which is neutral and non-polar, at codon 649 of the RPGR (ORF15) protein (p.Asp649Gly). In summary, the available evidence is currently insufficient to determine the role of this variant in disease. Therefore, it has been classified as a Variant of Uncertain Significance. Algorithms developed to predict the effect of missense changes on protein structure and function are either unavailable or do not agree on the potential impact of this missense change (SIFT: "Not Available"; PolyPhen-2: "Benign"; Align-GVGD: "Not Available"). This variant has not been reported in the literature in individuals affected with RPGR (ORF15)-related conditions. This variant is not present in population databases (gnomAD no frequency).

NM_001034853.2(RPGR):c.1946A>G (p.Asp649Gly)

Gene: RPGR (retinitis pigmentosa GTPase regulator; minus strand). Cytogenetic location: Xp11.4.
Variant type: single nucleotide variant.
Coding change: c.1946A>G on transcript NM_001034853.2 (MANE Select); coding-DNA position 1946, A replaced by G.
Protein change: p.Asp649Gly; replaces aspartic acid 649 with glycine.
Molecular consequence: missense variant. On other transcripts: intron variant (8).
Genome position (GRCh38, 1-based): chrX:38,287,053, T>C on the plus strand (A>G on the coding strand, the complement: RPGR is on the minus strand). VCF-style: chrX-38287053-T-C. GRCh37 (hg19) VCF-style: chrX-38146306-T-C.
Other names: c.1569+3906A>G (NM_001367249.1, NM_001367250.1); c.1902+41A>G (NM_001367245.1); c.1386+3906A>G (NM_001367251.1); c.1719+41A>G (NM_001367246.1); c.1572+3906A>G (NM_001367247.1); c.1905+41A>G (NM_000328.3); c.1602+3906A>G (NM_001367248.1); short protein forms D649G.
Identifiers: ClinVar variation 2071732 (VCV002071732.4), dbSNP rs367882990, ClinGen allele CA412732074.